The following is an entry in ClinVar:

NM_001385875.1(ZFYVE27):c.*40A>G

Gene: ZFYVE27 (zinc finger FYVE-type containing 27; plus strand). Cytogenetic location: 10q24.2.
Variant type: single nucleotide variant.
Coding change: c.*40A>G on transcript NM_001385875.1 (MANE Select); 40 bases downstream of the stop codon, A replaced by G.
Molecular consequence: 3 prime UTR variant. On other transcripts: non-coding transcript variant (17).
Genome position (GRCh38, 1-based): chr10:97,759,340, A>G. VCF-style: chr10-97759340-A-G. GRCh37 (hg19) VCF-style: chr10-99519097-A-G.
Other names: c.*40A>G (NM_001002261.4, NM_001002262.4, NM_001174119.2 and 39 more transcripts).
Identifiers: ClinVar variation 301841 (VCV000301841.9), dbSNP rs1981237, ClinGen allele CA5635516.
Genomic context (GRCh38, chr10:97,759,340, plus strand): 5'-AACCAGACCTTGAGCAAGTGAGAAGAGAGGCCAGGGTCCAACCAGGCACCCGTCCTTGGG[A>G]CCAGCAGTAGACCCCCCACTCTCCCCACCCCTGGCCCACTGTGGTGTGTGCTGGGCAAAT-3'

ClinVar aggregate classification (germline): Benign. Review status: criteria provided, multiple submitters, no conflicts (2 of 4 stars). 4 submissions from 4 submitters: Benign (4). Last evaluated 2021-12-05.

Conditions:
Hereditary spastic paraplegia 33. Also called: SPASTIC PARAPLEGIA 33, AUTOSOMAL DOMINANT. Identifiers: MedGen C1853251, MONDO:0012448, OMIM 610244.

Allele frequency attached by ClinVar (database versions not stated): 1000 Genomes Project 30x 0.67942; 1000 Genomes Project 0.67971; TOPMed 0.71740; gnomAD exomes 0.72330 and 0.76723; ExAC 0.73046; gnomAD 0.73642 and 0.73851; ESP Exome Variant Server 0.75903.

Submissions (4):

Genome-Nilou Lab
Classification: Benign for Hereditary spastic paraplegia 33. Last evaluated: 2021-12-05. Review status: criteria provided, single submitter. Criteria: ACMG Guidelines, 2015. Collection method: clinical testing. Allele origin: germline. Affected: no.

GeneDx
Classification: Benign. Last evaluated: 2021-06-19. Review status: criteria provided, single submitter. Criteria: GeneDx Variant Classification Process June 2021. Collection method: clinical testing. Allele origin: germline. Affected: yes.

Illumina Laboratory Services, Illumina
Classification: Benign for Hereditary spastic paraplegia 33. Last evaluated: 2018-01-12. Review status: criteria provided, single submitter. Criteria: ICSL Variant Classification Criteria 13 December 2019. Collection method: clinical testing. Allele origin: germline.
Comment: This variant was observed in the ICSL laboratory as part of a predisposition screen in an ostensibly healthy population. It had not been previously curated by ICSL or reported in the Human Gene Mutation Database (HGMD: prior to June 1st, 2018), and was therefore a candidate for classification through an automated scoring system. Utilizing variant allele frequency, disease prevalence and penetrance estimates, and inheritance mode, an automated score was calculated to assess if this variant is too frequent to cause the disease. Based on the score and internal cut-off values, a variant classified as benign is not then subjected to further curation. The score for this variant resulted in a classification of benign for this disease.

Breakthrough Genomics
Classification: Benign. Review status: criteria provided, single submitter. Criteria: ACMG Guidelines, 2015. Collection method: not provided. Allele origin: germline. Inheritance: Autosomal dominant inheritance. Affected: yes.